The following is an entry in ClinVar:

NM_001271696.3(ABCB7):c.312C>T (p.Leu104=)

Gene: ABCB7 (ATP binding cassette subfamily B member 7; minus strand). Cytogenetic location: Xq13.3.
Variant type: single nucleotide variant.
Coding change: c.312C>T on transcript NM_001271696.3 (MANE Select); coding-DNA position 312, C replaced by T.
Protein change: p.Leu104=; no amino-acid change (leucine 104 retained).
Molecular consequence: synonymous variant.
Genome position (GRCh38, 1-based): chrX:75,112,907, G>A on the plus strand (C>T on the coding strand, the complement: ABCB7 is on the minus strand). VCF-style: chrX-75112907-G-A. GRCh37 (hg19) VCF-style: chrX-74332742-G-A.
Other names: p.L105L:CTC>CTT; p.Leu105=; c.312C>T, p.Leu104= (NM_001271697.3); c.234C>T, p.Leu78= (NM_001271698.3); c.315C>T, p.Leu105= (NM_001271699.3, NM_004299.6).
Identifiers: ClinVar variation 136242 (VCV000136242.14), dbSNP rs140031135, ClinGen allele CA289221.

ClinVar aggregate classification (germline): Benign/Likely benign. Review status: criteria provided, multiple submitters, no conflicts (2 of 4 stars). 5 submissions from 5 submitters: Benign (4); Likely benign (1). Last evaluated 2026-01-30.

Conditions:
X-linked sideroblastic anemia with ataxia (SCAX6). Also called: SPINOCEREBELLAR ATAXIA, X-LINKED 6, WITH OR WITHOUT SIDEROBLASTIC ANEMIA. Identifiers: Orphanet 2802, MedGen C1845028, MONDO:0010524, OMIM 301310.

Allele frequency attached by ClinVar (database versions not stated): gnomAD 0.00412; 1000 Genomes Project 0.01404; ESP Exome Variant Server 0.00644; 1000 Genomes Project 30x 0.01228; TOPMed 0.00504; gnomAD exomes 0.01022; ExAC 0.01098.
gnomAD v4.1: 11,941 of 1,207,746 alleles (0.99%); highest among the groups gnomAD compares: South Asian, 5.1%; 74 homozygotes.

Submissions (5):

Labcorp Genetics (formerly Invitae), Labcorp
Classification: Benign. Last evaluated: 2026-01-30. Review status: criteria provided, single submitter. Criteria: Invitae Variant Classification Sherloc (09022015). Collection method: clinical testing. Allele origin: germline.

Mayo Clinic Laboratories, Mayo Clinic
Classification: Benign. Last evaluated: 2023-06-03. Review status: criteria provided, single submitter. Criteria: ACMG Guidelines, 2015. Collection method: clinical testing. Allele origin: germline. Observed: 18 variant alleles.

Fulgent Genetics
Classification: Likely benign for X-linked sideroblastic anemia with ataxia. Last evaluated: 2021-08-30. Review status: criteria provided, single submitter. Criteria: ACMG Guidelines, 2015. Collection method: clinical testing. Allele origin: unknown.

GeneDx
Classification: Benign. Last evaluated: 2013-09-05. Review status: criteria provided, single submitter. Criteria: GeneDx Variant Classification (06012015). Collection method: clinical testing. Allele origin: germline. Affected: yes.
Comment: This variant is considered likely benign or benign based on one or more of the following criteria: it is a conservative change, it occurs at a poorly conserved position in the protein, it is predicted to be benign by multiple in silico algorithms, and/or has population frequency not consistent with disease.

Breakthrough Genomics
Classification: Benign. Review status: criteria provided, single submitter. Criteria: ACMG Guidelines, 2015. Collection method: not provided. Allele origin: germline. Inheritance: X-linked inheritance. Affected: yes.